The following is an entry in ClinVar:

ClinVar aggregate classification (germline): Conflicting classifications of pathogenicity. Review status: criteria provided, conflicting classifications (1 of 4 stars). 10 submissions from 6 submitters: Uncertain significance (8); Benign (2). Last evaluated 2026-01-02.

Conditions:
Cardiovascular phenotype. Identifiers: MedGen CN230736.
Autosomal recessive limb-girdle muscular dystrophy type 2J (LGMDR10). Also called: Limb-girdle muscular dystrophy, type 2J; MUSCULAR DYSTROPHY, LIMB-GIRDLE, AUTOSOMAL RECESSIVE 10. Identifiers: Orphanet 140922, MedGen C1837342, MONDO:0012127, OMIM 608807.
Dilated cardiomyopathy 1G (CMD1G). Identifiers: Orphanet 154, MedGen C1858763, MONDO:0011400, OMIM 604145.
TTN-related disorder. Also called: TTN-related condition; TTN-related disease; TTN-related disorders.
Myopathy, myofibrillar, 9, with early respiratory failure (MFM9). Also called: Hereditary myopathy with early respiratory failure; MYOPATHY, PROXIMAL, WITH EARLY RESPIRATORY MUSCLE INVOLVEMENT; EDSTROM MYOPATHY; Myopathy, distal, with early respiratory failure, autosomal dominant. Identifiers: Orphanet 178464, Orphanet 34521, MedGen C1863599, MONDO:0011362, OMIM 603689.
Early-onset myopathy with fatal cardiomyopathy (CMYO5). Also called: Salih Myopathy; CONGENITAL MYOPATHY 5 WITH CARDIOMYOPATHY. Identifiers: Orphanet 289377, MedGen C2673677, MONDO:0012714, OMIM 611705. Disease mechanism: loss of function.
Tibial muscular dystrophy (TMD). Also called: Udd Distal Myopathy – Tibial Muscular Dystrophy; UDD MYOPATHY; Tibial muscular dystrophy, tardive. Identifiers: Orphanet 609, MedGen C1838244, MONDO:0010870, OMIM 600334.

Allele frequency attached by ClinVar (database versions not stated): TOPMed 0.00001; ExAC 0.00002; gnomAD 0.00002; gnomAD exomes 0.00002 and 0.00003.
gnomAD v4.1: 44 of 1,613,004 alleles (0.0027%); highest among the groups gnomAD compares: Non-Finnish European, 0.0035%; no homozygotes.

Submissions (10):

PreventionGenetics, part of Exact Sciences
Classification: Uncertain significance for TTN-related condition. Last evaluated: 2026-01-02. Review status: criteria provided, single submitter. Criteria: ACMG Guidelines, 2015. Collection method: clinical testing. Allele origin: germline.
Comment: The TTN c.43120A>G variant is predicted to result in the amino acid substitution p.Ile14374Val. To our knowledge, this variant has not been reported in the literature. This variant is reported in 0.0045% of alleles in individuals of European (Non-Finnish) descent in gnomAD. At this time, the clinical significance of this variant is uncertain due to the absence of conclusive functional and genetic evidence.

Athena Diagnostics
Classification: Uncertain significance. Last evaluated: 2023-11-08. Review status: criteria provided, single submitter. Criteria: Athena Diagnostics Criteria. Collection method: clinical testing. Allele origin: unknown.
Comment: Available data are insufficient to determine the clinical significance of the variant at this time. The frequency of this variant in the general population is uninformative in assessment of its pathogenicity. Computational tools predict that this variant is not damaging.

Mayo Clinic Laboratories, Mayo Clinic
Classification: Uncertain significance. Last evaluated: 2021-05-19. Review status: criteria provided, single submitter. Criteria: ACMG Guidelines, 2015. Collection method: clinical testing. Allele origin: germline.

Ambry Genetics
Classification: Uncertain significance for Cardiovascular phenotype. Last evaluated: 2019-08-29. Review status: criteria provided, single submitter. Criteria: Ambry Variant Classification Scheme 2023. Collection method: clinical testing. Allele origin: germline.
Comment: The p.I5309V variant (also known as c.15925A>G), located in coding exon 61 of the TTN gene, results from an A to G substitution at nucleotide position 15925. The isoleucine at codon 5309 is replaced by valine, an amino acid with highly similar properties. This amino acid position is poorly conserved in available vertebrate species. In addition, this alteration is predicted to be tolerated by in silico analysis. Since supporting evidence is limited at this time, the clinical significance of this alteration remains unclear.

Illumina Laboratory Services, Illumina
Classification: Uncertain significance for Dilated cardiomyopathy 1G. Last evaluated: 2018-01-15. Review status: criteria provided, single submitter. Criteria: ICSL Variant Classification Criteria 13 December 2019. Collection method: clinical testing. Allele origin: germline.

Illumina Laboratory Services, Illumina
Classification: Uncertain significance for Early-onset myopathy with fatal cardiomyopathy. Last evaluated: 2018-01-15. Review status: criteria provided, single submitter. Criteria: ICSL Variant Classification Criteria 13 December 2019. Collection method: clinical testing. Allele origin: germline.

Illumina Laboratory Services, Illumina
Classification: Benign for Myopathy, myofibrillar, 9, with early respiratory failure. Last evaluated: 2018-01-15. Review status: criteria provided, single submitter. Criteria: ICSL Variant Classification Criteria 13 December 2019. Collection method: clinical testing. Allele origin: germline.
Comment: This variant was observed in the ICSL laboratory as part of a predisposition screen in an ostensibly healthy population. It had not been previously curated by ICSL or reported in the Human Gene Mutation Database (HGMD: prior to June 1st, 2018), and was therefore a candidate for classification through an automated scoring system. Utilizing variant allele frequency, disease prevalence and penetrance estimates, and inheritance mode, an automated score was calculated to assess if this variant is too frequent to cause the disease. Based on the score and internal cut-off values, a variant classified as benign is not then subjected to further curation. The score for this variant resulted in a classification of benign for this disease.

Illumina Laboratory Services, Illumina
Classification: Uncertain significance for Autosomal recessive limb-girdle muscular dystrophy type 2J. Last evaluated: 2018-01-15. Review status: criteria provided, single submitter. Criteria: ICSL Variant Classification Criteria 13 December 2019. Collection method: clinical testing. Allele origin: germline.

Illumina Laboratory Services, Illumina
Classification: Benign for Tibial muscular dystrophy. Last evaluated: 2018-01-15. Review status: criteria provided, single submitter. Criteria: ICSL Variant Classification Criteria 13 December 2019. Collection method: clinical testing. Allele origin: germline.
Comment: the same text as in the submission from Illumina Laboratory Services, Illumina above.

Labcorp Genetics (formerly Invitae), Labcorp
Classification: Uncertain significance for Dilated cardiomyopathy 1G; Autosomal recessive limb-girdle muscular dystrophy type 2J. Last evaluated: 2017-02-13. Review status: criteria provided, single submitter. Criteria: Invitae Variant Classification Sherloc (09022015). Collection method: clinical testing. Allele origin: germline.

NM_001267550.2(TTN):c.43120A>G (p.Ile14374Val)

Gene: TTN (titin; minus strand). Cytogenetic location: 2q31.2.
Variant type: single nucleotide variant.
Coding change: c.43120A>G on transcript NM_001267550.2 (MANE Select); coding-DNA position 43120, A replaced by G.
Protein change: p.Ile14374Val; replaces isoleucine 14374 with valine.
Molecular consequence: missense variant.
Genome position (GRCh38, 1-based): chr2:178,633,011, T>C on the plus strand (A>G on the coding strand, the complement: TTN is on the minus strand). VCF-style: chr2-178633011-T-C. GRCh37 (hg19) VCF-style: chr2-179497738-T-C.
Other names: p.Ile11806Val; c.43120A>G (NM_001267550.1); c.38197A>G, p.Ile12733Val (NM_001256850.1); c.15925A>G, p.Ile5309Val (NM_003319.4); c.35416A>G, p.Ile11806Val (NM_133378.4); c.16300A>G, p.Ile5434Val (NM_133432.3); c.16501A>G, p.Ile5501Val (NM_133437.4); short protein forms I14374V, I11806V, I5434V, I5309V, I12733V, I5501V.
Identifiers: ClinVar variation 467153 (VCV000467153.16), dbSNP rs754227553, ClinGen allele CA1995936.
Genomic context (GRCh38, chr2:178,633,011, plus strand): 5'-TAGCAGCCTGGAAGGAAACCTCTCCTGTCATACCCAGCTGACAGTTATGAAGGATCAGAA[T>C]ATGCTTCTTTCCATCCTCAATGATTTCACAGTCCTGTTTGGAGTGAGGGTTAGAAGGAAA-3'
Protein context (NP_001254479.2, residues 14364-14384): CEIIEDGKKH[Ile14374Val]LILHNCQLGM